The following is an entry in ClinVar:

NM_000312.4(PROC):c.503T>C (p.Leu168Pro)

Gene: PROC (protein C, inactivator of coagulation factors Va and VIIIa; plus strand). Cytogenetic location: 2q14.3.
Variant type: single nucleotide variant.
Coding change: c.503T>C on transcript NM_000312.4 (MANE Select); coding-DNA position 503, T replaced by C.
Protein change: p.Leu168Pro; replaces leucine 168 with proline.
Molecular consequence: missense variant.
Genome position (GRCh38, 1-based): chr2:127,423,376, T>C. VCF-style: chr2-127423376-T-C. GRCh37 (hg19) VCF-style: chr2-128180952-T-C.
Other names: c.686T>C, p.Leu229Pro (NM_001375602.1); c.668T>C, p.Leu223Pro (NM_001375603.1); c.566T>C, p.Leu189Pro (NM_001375604.1); c.605T>C, p.Leu202Pro (NM_001375605.1); c.671T>C, p.Leu224Pro (NM_001375606.1); c.689T>C, p.Leu230Pro (NM_001375607.1); c.446T>C, p.Leu149Pro (NM_001375608.1); c.479T>C, p.Leu160Pro (NM_001375609.1); and 2 more; short protein forms L223P, L229P, L149P, L160P, L189P, L202P, L230P, L166P.
Identifiers: ClinVar variation 4694663 (VCV004694663.1).

ClinVar aggregate classification (germline): Uncertain significance (1 of 4 stars; one submission).

Conditions:
Thrombophilia due to protein C deficiency, autosomal dominant. Also called: PROC DEFICIENCY, AUTOSOMAL DOMINANT; PROTEIN C DEFICIENCY, AUTOSOMAL DOMINANT. Identifiers: Orphanet 745, MedGen C2674321, MONDO:0008316, OMIM 176860. Disease mechanism: loss of function.

Submission:

Labcorp Genetics (formerly Invitae), Labcorp
Classification: Uncertain significance for Thrombophilia due to protein C deficiency, autosomal dominant. Last evaluated: 2025-09-15. Review status: criteria provided, single submitter. Criteria: Invitae Variant Classification Sherloc (09022015). Collection method: clinical testing. Allele origin: germline.
Comment: This sequence change replaces leucine, which is neutral and non-polar, with proline, which is neutral and non-polar, at codon 168 of the PROC protein (p.Leu168Pro). This variant is not present in population databases (gnomAD no frequency). This missense change has been observed in individuals with protein C deficiency (PMID: 31821907). Invitae Evidence Modeling of protein sequence and biophysical properties (such as structural, functional, and spatial information, amino acid conservation, physicochemical variation, residue mobility, and thermodynamic stability) has been performed for this missense variant. However, the output from this modeling did not meet the statistical confidence thresholds required to predict the impact of this variant on PROC protein function. In summary, the available evidence is currently insufficient to determine the role of this variant in disease. Therefore, it has been classified as a Variant of Uncertain Significance.

Literature cited by the submitters: PubMed 31821907.